The following is an entry in ClinVar:

ClinVar aggregate classification (germline): Pathogenic/Likely pathogenic. Review status: criteria provided, multiple submitters, no conflicts (2 of 4 stars). 2 submissions from 2 submitters: Pathogenic (1); Likely pathogenic (1). Last evaluated 2023-11-02.

Conditions:
CHARGE syndrome (CHARGE). Also called: Hittner Hirsch Kreh syndrome; CHARGE ASSOCIATION--COLOBOMA, HEART ANOMALY, CHOANAL ATRESIA, RETARDATION, GENITAL AND EAR ANOMALIES; Coloboma, heart anomaly, choanal atresia, retardation, genital and ear anomalies; CHARGE association; Hall-Hittner syndrome. Identifiers: Orphanet 138, MedGen C0265354, MONDO:0008965.
CHD7-related disorder. Also called: CHD7-related condition.

Submissions (2):

Blueprint Genetics
Classification: Pathogenic for CHD7-related disorders. Last evaluated: 2023-11-02. Review status: criteria provided, single submitter. Criteria: ACMG Guidelines, 2015. Collection method: clinical testing. Allele origin: germline. Affected: yes. Observed: 1 variant allele.

Greenwood Genetic Center Diagnostic Laboratories, Greenwood Genetic Center
Classification: Likely pathogenic for CHD7-related CHARGE syndrome. Last evaluated: 2023-02-19. Review status: criteria provided, single submitter. Criteria: ACMG Guidelines, 2015. Collection method: clinical testing. Allele origin: germline. Affected: yes.
Comment: PVS1, PM2

NM_017780.4(CHD7):c.3269_3272del (p.Asp1090fs)

Gene: CHD7 (chromodomain helicase DNA binding protein 7; plus strand). Cytogenetic location: 8q12.2.
Variant type: Deletion.
Coding change: c.3269_3272del on transcript NM_017780.4 (MANE Select); coding-DNA positions 3269 to 3272, 4 bases deleted (ATTG; older notation c.3269_3272delATTG).
Protein change: p.Asp1090fs; shifts the reading frame from aspartic acid 1090.
Molecular consequence: frameshift variant. On other transcripts: intron variant (1).
Genome position (GRCh38, 1-based): chr8:60,823,907-60,823,910, ATTG deleted; deleting any 4 consecutive bases within chr8:60,823,905-60,823,910 gives the same sequence; the c. name uses the placement nearest the transcript's 3' end. VCF-style (leftmost placement, unchanged base first): chr8-60823904-CTGAT-C. GRCh37 (hg19) VCF-style: chr8-61736463-CTGAT-C.
Other names: c.1717-38322_1717-38319del (NM_001316690.1); short protein forms D1090fs.
Identifiers: ClinVar variation 2505179 (VCV002505179.2), dbSNP rs2487818782, ClinGen allele CA2580617165.